The following is an entry in ClinVar:

ClinVar aggregate classification (germline): Benign (1 of 4 stars; one submission).

Conditions:
Thyroid hormone resistance, generalized, autosomal dominant (GRTHD). Also called: HYPERTHYROXINEMIA, FAMILIAL EUTHYROID, SECONDARY TO PITUITARY AND PERIPHERAL RESISTANCE TO THYROID HORMONES. Identifiers: MedGen C2937288, MONDO:0008569, OMIM 188570.

Allele frequency attached by ClinVar (database versions not stated): 1000 Genomes Project 0.00419; 1000 Genomes Project 30x 0.00422; gnomAD 0.00452 and 0.00494; TOPMed 0.00566.

Submission:

Illumina Laboratory Services, Illumina
Classification: Benign for Thyroid hormone resistance, generalized, autosomal dominant. Last evaluated: 2018-01-12. Review status: criteria provided, single submitter. Criteria: ICSL Variant Classification Criteria 13 December 2019. Collection method: clinical testing. Allele origin: germline.
Comment: This variant was observed in the ICSL laboratory as part of a predisposition screen in an ostensibly healthy population. It had not been previously curated by ICSL or reported in the Human Gene Mutation Database (HGMD: prior to June 1st, 2018), and was therefore a candidate for classification through an automated scoring system. Utilizing variant allele frequency, disease prevalence and penetrance estimates, and inheritance mode, an automated score was calculated to assess if this variant is too frequent to cause the disease. Based on the score and internal cut-off values, a variant classified as benign is not then subjected to further curation. The score for this variant resulted in a classification of benign for this disease.

NM_001354712.2(THRB):c.*1284A>C

Gene: THRB (thyroid hormone receptor beta; minus strand). Cytogenetic location: 3p24.2.
Variant type: single nucleotide variant.
Coding change: c.*1284A>C on transcript NM_001354712.2 (MANE Select); 1284 bases downstream of the stop codon, A replaced by C.
Molecular consequence: 3 prime UTR variant.
Genome position (GRCh38, 1-based): chr3:24,121,600, T>G on the plus strand (A>C on the coding strand, the complement: THRB is on the minus strand). VCF-style: chr3-24121600-T-G. GRCh37 (hg19) VCF-style: chr3-24163091-T-G.
Other names: c.*1284A>C (NM_001128177.2, NM_001252634.2, NM_001354708.2 and 8 more transcripts).
Identifiers: ClinVar variation 344615 (VCV000344615.5), dbSNP rs115153721, ClinGen allele CA10617991.